The following is an entry in ClinVar:

ClinVar aggregate classification (germline): Benign/Likely benign. Review status: criteria provided, multiple submitters, no conflicts (2 of 4 stars). 4 submissions from 3 submitters: Benign (2); Likely benign (2). Last evaluated 2018-01-13.

Conditions:
Congenital stationary night blindness autosomal dominant 2. Also called: NIGHT BLINDNESS, CONGENITAL STATIONARY, RAMBUSCH TYPE. Identifiers: Orphanet 215, MedGen C1876182, MONDO:0008099, OMIM 163500.
Retinitis pigmentosa (RP). Identifiers: Orphanet 791, MedGen C0035334, MeSH D012174, MONDO:0019200, OMIM 268000. Inheritance: Autosomal dominant, autosomal recessive and X linked inheritance.

Allele frequency attached by ClinVar (database versions not stated): gnomAD exomes 0.02433 and 0.02628; ExAC 0.02641; 1000 Genomes Project 0.02875; 1000 Genomes Project 30x 0.02951; gnomAD 0.03429 and 0.03551; TOPMed 0.03580; ESP Exome Variant Server 0.03737.
gnomAD v4.1: 43,588 of 1,611,016 alleles (2.7%); highest among the groups gnomAD compares: African/African-American, 6.1%; 676 homozygotes.

Submissions (4):

Illumina Laboratory Services, Illumina
Classification: Benign for Congenital stationary night blindness autosomal dominant 2. Last evaluated: 2018-01-13. Review status: criteria provided, single submitter. Criteria: ICSL Variant Classification Criteria 13 December 2019. Collection method: clinical testing. Allele origin: germline.
Comment: This variant was observed in the ICSL laboratory as part of a predisposition screen in an ostensibly healthy population. It had not been previously curated by ICSL or reported in the Human Gene Mutation Database (HGMD: prior to June 1st, 2018), and was therefore a candidate for classification through an automated scoring system. Utilizing variant allele frequency, disease prevalence and penetrance estimates, and inheritance mode, an automated score was calculated to assess if this variant is too frequent to cause the disease. Based on the score and internal cut-off values, a variant classified as benign is not then subjected to further curation. The score for this variant resulted in a classification of benign for this disease.

Illumina Laboratory Services, Illumina
Classification: Likely benign for Retinitis pigmentosa. Last evaluated: 2018-01-13. Review status: criteria provided, single submitter. Criteria: ICSL Variant Classification Criteria 13 December 2019. Collection method: clinical testing. Allele origin: germline.
Comment: This variant was observed in the ICSL laboratory as part of a predisposition screen in an ostensibly healthy population. It had not been previously curated by ICSL or reported in the Human Gene Mutation Database (HGMD: prior to June 1st, 2018), and was therefore a candidate for classification through an automated scoring system. Utilizing variant allele frequency, disease prevalence and penetrance estimates, and inheritance mode, an automated score was calculated to assess if this variant is too frequent to cause the disease. Based on the score and internal cut-off values, a variant classified as likely benign is not then subjected to further curation. The score for this variant resulted in a classification of likely benign for this disease.

GeneDx
Classification: Benign. Last evaluated: 2015-03-03. Review status: criteria provided, single submitter. Criteria: GeneDx Variant Classification Process June 2021. Collection method: clinical testing. Allele origin: germline. Affected: yes.

Breakthrough Genomics
Classification: Likely benign. Review status: criteria provided, single submitter. Criteria: ACMG Guidelines, 2015. Collection method: not provided. Allele origin: germline. Inheritance: Autosomal recessive inheritance. Affected: yes.

NM_000283.4(PDE6B):c.*20C>A

Gene: PDE6B (phosphodiesterase 6B; plus strand). Cytogenetic location: 4p16.3.
Variant type: single nucleotide variant.
Coding change: c.*20C>A on transcript NM_000283.4 (MANE Select); 20 bases downstream of the stop codon, C replaced by A.
Molecular consequence: 3 prime UTR variant. On other transcripts: synonymous variant (2).
Genome position (GRCh38, 1-based): chr4:670,127, C>A. VCF-style: chr4-670127-C-A. GRCh37 (hg19) VCF-style: chr4-663916-C-A.
Other names: c.*20C>A (NM_001145291.2, NM_001145292.2, NM_001379246.1 and 1 more transcripts); c.1683C>A, p.Thr561= (NM_001350154.3); c.1365C>A, p.Thr455= (NM_001350155.3).
Identifiers: ClinVar variation 349401 (VCV000349401.8), dbSNP rs61760239, ClinGen allele CA2795119.
Genomic context (GRCh38, chr4:670,127, plus strand): 5'-GCGGCCCAGCACCCAAGTCTTCAACCTGCTGTATCCTGTGAGCACTGGTCCCATGGGGAC[C>A]CTATGGCTCCCTCAATCTTCACCCACTAGGATTTGGGTTCTGCCTGTGGCTATTTGCTAC-3'